The following is an entry in ClinVar:

ClinVar aggregate classification (germline): Uncertain significance. Review status: criteria provided, multiple submitters, no conflicts (2 of 4 stars). 3 submissions from 3 submitters: Uncertain significance (3). Last evaluated 2026-04-29.

Conditions:
TTN-related disorder. Also called: TTN-related condition; TTN-related disease; TTN-related disorders.
Cardiovascular phenotype. Identifiers: MedGen CN230736.

Allele frequency attached by ClinVar (database versions not stated): gnomAD exomes below 0.00001 and 0.00001.
gnomAD v4.1: 12 of 1,612,516 alleles (0.00074%); highest among the groups gnomAD compares: Middle Eastern, 0.017%; no homozygotes.

Submissions (3):

PreventionGenetics, part of Exact Sciences
Classification: Uncertain significance for TTN-related condition. Last evaluated: 2026-04-29. Review status: criteria provided, single submitter. Criteria: ACMG Guidelines, 2015. Collection method: clinical testing. Allele origin: germline.
Comment: The TTN c.50891T>C variant is predicted to result in the amino acid substitution p.Ile16964Thr. To our knowledge, this variant has not been reported in the literature. This variant is reported in 0.00089% of alleles in individuals of European (Non-Finnish) descent in gnomAD. At this time, the clinical significance of this variant is uncertain due to the absence of conclusive functional and genetic evidence.

GeneDx
Classification: Uncertain significance. Last evaluated: 2026-01-26. Review status: criteria provided, single submitter. Criteria: GeneDx Variant Classification Process June 2021. Collection method: clinical testing. Allele origin: germline. Affected: yes.
Comment: Not observed at significant frequency in large population cohorts (gnomAD); Missense variant in a gene in which most reported pathogenic variants are truncating/loss of function; Has not been previously published as pathogenic or benign to our knowledge

Ambry Genetics
Classification: Uncertain significance for Cardiovascular phenotype. Last evaluated: 2019-10-23. Review status: criteria provided, single submitter. Criteria: Ambry Variant Classification Scheme 2023. Collection method: clinical testing. Allele origin: germline.
Comment: The p.I7899T variant (also known as c.23696T>C), located in coding exon 97 of the TTN gene, results from a T to C substitution at nucleotide position 23696. The isoleucine at codon 7899 is replaced by threonine, an amino acid with similar properties. This amino acid position is not well conserved in available vertebrate species. In addition, the in silico prediction for this alteration is inconclusive. Since supporting evidence is limited at this time, the clinical significance of this alteration remains unclear.

NM_001267550.2(TTN):c.50891T>C (p.Ile16964Thr)

Genes: TTN (titin; minus strand), TTN-AS1 (TTN antisense RNA 1; plus strand). Cytogenetic location: 2q31.2.
Variant type: single nucleotide variant.
Coding change: c.50891T>C on transcript NM_001267550.2 (MANE Select); coding-DNA position 50891, T replaced by C.
Protein change: p.Ile16964Thr; replaces isoleucine 16964 with threonine.
Molecular consequence: missense variant.
Genome position (GRCh38, 1-based): chr2:178,611,238, A>G on the plus strand (T>C on the coding strand, the complement: TTN is on the minus strand). VCF-style: chr2-178611238-A-G. GRCh37 (hg19) VCF-style: chr2-179475965-A-G.
Other names: p.I15323T:ATT>ACT; c.45968T>C, p.Ile15323Thr (NM_001256850.1); c.23696T>C, p.Ile7899Thr (NM_003319.4); c.43187T>C, p.Ile14396Thr (NM_133378.4); c.24071T>C, p.Ile8024Thr (NM_133432.3); c.24272T>C, p.Ile8091Thr (NM_133437.4); c.50891T>C (NM_001267550.1); short protein forms I15323T, I16964T, I14396T, I8091T, I8024T, I7899T.
Identifiers: ClinVar variation 202688 (VCV000202688.6), dbSNP rs794729453, ClinGen allele CA309986.